The following is an entry in ClinVar:

NM_001384732.1(CPLANE1):c.3679A>T (p.Met1227Leu)

Gene: CPLANE1 (ciliogenesis and planar polarity effector complex subunit 1; minus strand). Cytogenetic location: 5p13.2.
Variant type: single nucleotide variant.
Coding change: c.3679A>T on transcript NM_001384732.1 (MANE Select); coding-DNA position 3679, A replaced by T.
Protein change: p.Met1227Leu; replaces methionine 1227 with leucine.
Molecular consequence: missense variant.
Genome position (GRCh38, 1-based): chr5:37,195,990, T>A on the plus strand (A>T on the coding strand, the complement: CPLANE1 is on the minus strand). VCF-style: chr5-37195990-T-A. GRCh37 (hg19) VCF-style: chr5-37196092-T-A.
Other names: c.3679A>T, p.Met1227Leu (NM_023073.4); short protein forms M1227L.
Identifiers: ClinVar variation 1523989 (VCV001523989.8), dbSNP rs2151369809, ClinGen allele CA359510586.

ClinVar aggregate classification (germline): Uncertain significance (1 of 4 stars; one submission).

Submission:

Labcorp Genetics (formerly Invitae), Labcorp
Classification: Uncertain significance. Last evaluated: 2021-04-08. Review status: criteria provided, single submitter. Criteria: Invitae Variant Classification Sherloc (09022015). Collection method: clinical testing. Allele origin: germline.
Comment: In summary, the available evidence is currently insufficient to determine the role of this variant in disease. Therefore, it has been classified as a Variant of Uncertain Significance. Advanced modeling of protein sequence and biophysical properties (such as structural, functional, and spatial information, amino acid conservation, physicochemical variation, residue mobility, and thermodynamic stability) performed at Invitae indicates that this missense variant is not expected to disrupt CPLANE1 protein function. This variant has not been reported in the literature in individuals with CPLANE1-related conditions. This variant is not present in population databases (ExAC no frequency). This sequence change replaces methionine with leucine at codon 1227 of the CPLANE1 protein (p.Met1227Leu). The methionine residue is moderately conserved and there is a small physicochemical difference between methionine and leucine.